The following continues an entry in ClinVar:

NM_007194.4(CHEK2):c.1036C>T (p.Arg346Cys)

Gene: CHEK2. ClinVar aggregate classification (germline): Conflicting classifications of pathogenicity. Likely pathogenic (6); Uncertain significance (20).

Submissions 22 to 30 of 30:

CHEO Genetics Diagnostic Laboratory, Children's Hospital of Eastern Ontario
Classification: Uncertain significance for Breast and/or ovarian cancer. Last evaluated: 2023-02-07. Review status: criteria provided, single submitter. Criteria: ACMG Guidelines, 2015. Collection method: clinical testing. Allele origin: germline.

Sema4
Classification: Uncertain significance for Hereditary cancer-predisposing syndrome. Last evaluated: 2021-12-17. Review status: criteria provided, single submitter. Criteria: Sema4 Curation Guidelines. Collection method: curation. Allele origin: germline.
Comment: The CHEK2 c.1036C>T (p.Arg346Cys) variant has been reported in heterozygosity in multiple individuals with breast, ovarian, prostate cancer and mesothelioma (PMID: 27595995, 21244692, 30303537, 30651582, 33128190, 30975761, 33925588), but has also been reported in healthy individuals (PMID: 30287823). It has been reported in a large case-control study in 6/60466 breast cancer cases and 5/53461 controls (PMID: 33471991), also in 2/42,164 controls and in 9/42,671 cases with invasive breast cancer, and in 4/22,320 controls and in 5/22,301 cases with prostate cancer (PMID: 27595995). It was observed in 10/113576 chromosomes of the Non-Finnish European (NFE) subpopulation in the large and broad cohorts of the Genome Aggregation Database (PMID: 32461654). This variant has been reported in ClinVar (Variation ID 142222). In silico tools suggest the impact of the variant on protein function is deleterious, though these predictions have not been confirmed by functional studies. The evidence is insufficient to meet ACMG/AMP criteria for classifying the variant as benign or pathogenic. Thus, the clinical significance of this variant is currently uncertain.

Molecular Oncology Research Center, Barretos Cancer Hospital
Classification: Uncertain significance for Hereditary breast ovarian cancer syndrome. Last evaluated: 2020-08-01. Review status: criteria provided, single submitter. Criteria: ACMG Guidelines, 2015. Collection method: research. Allele origin: germline. Affected: yes. Observed: 1 variant allele.

Fulgent Genetics
Classification: Uncertain significance for Familial cancer of breast; Familial prostate cancer; Bone osteosarcoma; CHEK2-related cancer predisposition. Last evaluated: 2018-10-31. Review status: criteria provided, single submitter. Criteria: ACMG Guidelines, 2015. Collection method: clinical testing. Allele origin: unknown.

Mendelics
Classification: Uncertain significance for Familial cancer of breast. Last evaluated: 2018-07-02. Review status: criteria provided, single submitter. Criteria: Mendelics Assertion Criteria 2017. Collection method: clinical testing. Allele origin: unknown.

Counsyl
Classification: Uncertain significance for Familial cancer of breast. Last evaluated: 2018-02-02. Review status: no assertion criteria provided. Collection method: clinical testing. Allele origin: unknown. Not counted in ClinVar's aggregate classification.

Clinical Genetics Laboratory, Department of Pathology, Netherlands Cancer Institute
Classification: Likely pathogenic. Review status: no assertion criteria provided. Collection method: clinical testing. Allele origin: germline. Affected: yes. Study: VKGL Data-share Consensus. Not counted in ClinVar's aggregate classification.

Department of Pathology and Laboratory Medicine, Sinai Health System
Classification: Uncertain significance for Malignant tumor of breast. Review status: no assertion criteria provided. Collection method: clinical testing. Allele origin: unknown. Affected: yes. Observed: 2 variant alleles. Study: The Canadian Open Genetics Repository (COGR). Not counted in ClinVar's aggregate classification.
Comment: The CHEK2 p.Arg346Cys variant was identified in 3 of 2606 proband chromosomes (frequency: 0.001) from individuals or families with breast cancer (Le Calvez-Kelm 2011). The variant was also identified in dbSNP (ID: rs201206424) as "With Uncertain significance allele", ClinVar (classified as uncertain significance by Ambry Genetics, GeneDx, Invitae, Color Genomics, and Counsyl), and Cosmic (3x in breast, large intestine or lung tissue); it was not identified in MutDB or the Zhejiang University database. The variant was identified in control databases in 13 of 246016 chromosomes at a frequency of 0.00005 (Genome Aggregation Database Feb 27, 2017) in the following populations: European in 10 of 111540 chromosomes (freq: 0.00009), Other in 1 of 5472 chromosomes (freq: 0.0002), East Asian in 1 of 17248 chromosomes (freq: 0.00006), and South Asian in 1 of 30776 chromosomes (freq: 0.00003); it was not observed in the African, Latino, Ashkenazi Jewish, or Finnish populations. The p.Arg346 residue is conserved across mammals and other organisms and 5 of 5 computational analyses (PolyPhen-2, SIFT, AlignGVGD, BLOSUM, MutationTaster) suggest that the variant may impact the protein; however, this information is not predictive enough to assume pathogenicity. The variant occurs outside of the splicing consensus sequence and in silico or computational prediction software programs (SpliceSiteFinder, MaxEntScan, NNSPLICE, GeneSplicer, HumanSpliceFinder) do not predict a difference in splicing. In summary, based on the above information, the clinical significance of this variant cannot be determined with certainty at this time. This variant is classified as a variant of uncertain significance.

Diagnostic Laboratory, Department of Genetics, University Medical Center Groningen
Classification: Likely pathogenic. Review status: no assertion criteria provided. Collection method: clinical testing. Allele origin: germline. Affected: yes. Study: VKGL Data-share Consensus. Not counted in ClinVar's aggregate classification.

Literature cited by the submitters: PubMed 27595995 (cited by 8 submitters); PubMed 33134171 (cited by 3 submitters); PubMed 31398194 (cited by Dasa); PubMed 32359370 (cited by Dasa); PubMed 28452373 (cited by Dasa); PubMed 30851065 (cited by 8 submitters); PubMed 30651582 (cited by 5 submitters); PubMed 37449874 (cited by 6 submitters); PubMed 36468172 (cited by 4 submitters); PubMed 21244692 (cited by 6 submitters); PubMed 33471991 (cited by 3 submitters); PubMed 30130155 (cited by Mayo Clinic Laboratories, Mayo Clinic and Ambry Genetics); PubMed 30303537 (cited by 4 submitters); PubMed 30975761 (cited by 3 submitters); PubMed 33128190 (cited by 4 submitters); PubMed 33925588 (cited by 3 submitters); PubMed 30287823 (cited by Quest Diagnostics Nichols Institute San Juan Capistrano and Sema4); PubMed 34204722 (cited by Quest Diagnostics Nichols Institute San Juan Capistrano); PubMed 35441217 (cited by Quest Diagnostics Nichols Institute San Juan Capistrano); PubMed 39256447 (cited by Quest Diagnostics Nichols Institute San Juan Capistrano); PubMed 35534704 (cited by Quest Diagnostics Nichols Institute San Juan Capistrano); PubMed 25085752 (cited by Myriad Genetics, Inc.); PubMed 35264596 (cited by Women's Health and Genetics/Laboratory Corporation of America, LabCorp); PubMed 35980532 (cited by Women's Health and Genetics/Laboratory Corporation of America, LabCorp); PubMed 36243179 (cited by Women's Health and Genetics/Laboratory Corporation of America, LabCorp); PubMed 34326862 (cited by Women's Health and Genetics/Laboratory Corporation of America, LabCorp).